The following is an entry in ClinVar:

NM_006180.6(NTRK2):c.152G>A (p.Gly51Asp)

Gene: NTRK2 (neurotrophic receptor tyrosine kinase 2; plus strand). Cytogenetic location: 9q21.33.
Variant type: single nucleotide variant.
Coding change: c.152G>A on transcript NM_006180.6 (MANE Select); coding-DNA position 152, G replaced by A.
Protein change: p.Gly51Asp; replaces glycine 51 with aspartic acid.
Molecular consequence: missense variant.
Genome position (GRCh38, 1-based): chr9:84,670,900, G>A. VCF-style: chr9-84670900-G-A. GRCh37 (hg19) VCF-style: chr9-87285815-G-A.
Other names: c.152G>A, p.Gly51Asp (NM_001007097.3, NM_001018064.3, NM_001018065.2 and 18 more transcripts); c.152G>A (NM_006180.3, NM_006180.4); short protein forms G51D.
Identifiers: ClinVar variation 4861245 (VCV004861245.3).

ClinVar aggregate classification (germline): Uncertain significance. Review status: criteria provided, multiple submitters, no conflicts (2 of 4 stars). 3 submissions from 3 submitters: Uncertain significance (3). Last evaluated 2026-05-06.

Conditions:
NTRK2-related disorder. Also called: NTRK2-related condition.
Inborn genetic diseases. Identifiers: MedGen C0950123, MeSH D030342.
Early onset severe obesity. Identifiers: MedGen C4013980.

gnomAD v4.1: 7 of 1,611,816 alleles (0.00043%); highest among the groups gnomAD compares: Admixed American, 0.0017%; no homozygotes.

Submissions (3):

Ambry Genetics
Classification: Uncertain significance for Inborn genetic diseases. Last evaluated: 2026-05-06. Review status: criteria provided, single submitter. Criteria: Ambry Variant Classification Scheme 2023. Collection method: clinical testing. Allele origin: germline.

PreventionGenetics, part of Exact Sciences
Classification: Uncertain significance for NTRK2-related condition. Last evaluated: 2025-08-01. Review status: criteria provided, single submitter. Criteria: ACMG Guidelines, 2015. Collection method: clinical testing. Allele origin: germline.
Comment: The NTRK2 c.152G>A variant is predicted to result in the amino acid substitution p.Gly51Asp. To our knowledge, this variant has not been reported in the literature or in a large population database (gnomAD), indicating this variant is rare. At this time, the clinical significance of this variant is uncertain due to the absence of conclusive functional and genetic evidence.

Cambridge Genomics Laboratory, East Genomic Laboratory Hub, NHS Genomic Medicine Service
Classification: Uncertain significance for Severe early-onset obesity. Last evaluated: 2025-03-05. Review status: criteria provided, single submitter. Criteria: ACGS Best Practice Guidelines for Variant Classification in Rare Disease 2020. Collection method: clinical testing. Allele origin: germline. Affected: yes.
Comment: The rare missense variant c.152G>A p.(Gly51Asp) in the NTRK2 gene has not been reported previously as a pathogenic variant nor as a benign variant, to our knowledge. It is predicted to be intolerant towards the missense variants. Multiple in silico tools predict its effect as deleterious as well.